The following is an entry in ClinVar:

NM_000057.4(BLM):c.874GAT[3] (p.Asp295del)

Gene: BLM (BLM RecQ like helicase; plus strand). Cytogenetic location: 15q26.1.
Variant type: Microsatellite.
Coding change: c.874GAT[3] on transcript NM_000057.4 (MANE Select); three copies in a row of the 3-base unit GAT starting at c.874; the reference has four copies in a row; one copy, 3 bases deleted.
Protein change: p.Asp295del; deletes aspartic acid 295.
Molecular consequence: inframe deletion. On other transcripts: 5 prime UTR variant (1).
Genome position (GRCh38, 1-based): chr15:90,751,870-90,751,872, GAT deleted; deleting any 3 consecutive bases within chr15:90,751,860-90,751,872 gives the same sequence; the position shown is the placement nearest the transcript's 3' end. VCF-style (leftmost placement, unchanged base first): chr15-90751859-TTGA-T. GRCh37 (hg19) VCF-style: chr15-91295089-TTGA-T.
Other names: c.874GAT[3], p.Asp295del (NM_001287246.2, NM_001287247.2); c.-418GAT[3] (NM_001287248.2); short protein forms D295del.
Identifiers: ClinVar variation 1054960 (VCV001054960.11), dbSNP rs1208432656, ClinGen allele CA2575835831.

ClinVar aggregate classification (germline): Uncertain significance. Review status: criteria provided, multiple submitters, no conflicts (2 of 4 stars). 2 submissions from 2 submitters: Uncertain significance (2). Last evaluated 2026-06-03.

Conditions:
Bloom syndrome (BLM). Also called: Bloom-Torre-Machacek syndrome. Identifiers: Orphanet 125, MedGen C0005859, MONDO:0008876, OMIM 210900.

Submissions (2):

Myriad Genetics, Inc.
Classification: Uncertain significance for Bloom syndrome. Last evaluated: 2026-06-03. Review status: criteria provided, single submitter. Criteria: Myriad Autosomal Dominant, Autosomal Recessive and X-Linked Classification Criteria (2023). Collection method: clinical testing. Allele origin: unknown.
Comment: NM_000057.3(BLM):c.883_885delGAT(D295del) is an in-frame deletion classified as a variant of uncertain significance in the context of Bloom syndrome. D295del has not been observed in cases with relevant disease. Relevant functional assessments of this variant are not available in the literature. D295del has not been observed in referenced population frequency databases. In summary, there is insufficient evidence to classify NM_000057.3(BLM):c.883_885delGAT(D295del) as pathogenic or benign. Please note: this variant was assessed in the context of healthy population screening.

Labcorp Genetics (formerly Invitae), Labcorp
Classification: Uncertain significance for Bloom syndrome. Last evaluated: 2020-01-20. Review status: criteria provided, single submitter. Criteria: Invitae Variant Classification Sherloc (09022015). Collection method: clinical testing. Allele origin: germline.
Comment: In summary, the available evidence is currently insufficient to determine the role of this variant in disease. Therefore, it has been classified as a Variant of Uncertain Significance. Experimental studies and prediction algorithms are not available or were not evaluated, and the functional significance of this variant is currently unknown. This variant has not been reported in the literature in individuals with BLM-related conditions. This variant is not present in population databases (ExAC no frequency). This variant, c.883_885del, results in the deletion of 1 amino acid of the BLM protein (p.Asp295del), but otherwise preserves the integrity of the reading frame.